The following is an entry in ClinVar:

ClinVar aggregate classification (germline): Uncertain significance (1 of 4 stars; one submission).

Conditions:
Cardiovascular phenotype. Identifiers: MedGen CN230736.

Allele frequency attached by ClinVar (database versions not stated): gnomAD exomes 0.00001.
gnomAD v4.1: 3 of 1,613,676 alleles (0.00019%); highest among the groups gnomAD compares: Non-Finnish European, 0.00025%; no homozygotes.

Submission:

Ambry Genetics
Classification: Uncertain significance for Cardiovascular phenotype. Last evaluated: 2021-08-03. Review status: criteria provided, single submitter. Criteria: Ambry Variant Classification Scheme 2023. Collection method: clinical testing. Allele origin: germline.
Comment: The p.T1646P variant (also known as c.4936A>C), located in coding exon 34 of the LAMA4 gene, results from an A to C substitution at nucleotide position 4936. The threonine at codon 1646 is replaced by proline, an amino acid with highly similar properties. This amino acid position is conserved. In addition, this alteration is predicted to be tolerated by in silico analysis. Since supporting evidence is limited at this time, the clinical significance of this alteration remains unclear.

NM_001105206.3(LAMA4):c.4957A>C (p.Thr1653Pro)

Gene: LAMA4 (laminin subunit alpha 4; minus strand). Cytogenetic location: 6q21.
Variant type: single nucleotide variant.
Coding change: c.4957A>C on transcript NM_001105206.3 (MANE Select); coding-DNA position 4957, A replaced by C.
Protein change: p.Thr1653Pro; replaces threonine 1653 with proline.
Molecular consequence: missense variant.
Genome position (GRCh38, 1-based): chr6:112,117,763, T>G on the plus strand (A>C on the coding strand, the complement: LAMA4 is on the minus strand). VCF-style: chr6-112117763-T-G. GRCh37 (hg19) VCF-style: chr6-112438966-T-G.
Other names: c.4936A>C, p.Thr1646Pro (NM_001105207.3, NM_002290.5); short protein forms T1653P, T1646P.
Identifiers: ClinVar variation 1744230 (VCV001744230.2), dbSNP rs1554324448, ClinGen allele CA365366180.